The following is an entry in ClinVar:

NM_000051.4(ATM):c.7037C>A (p.Ala2346Glu)

Genes: ATM (ATM serine/threonine kinase; plus strand), C11orf65 (chromosome 11 open reading frame 65; minus strand). Cytogenetic location: 11q22.3.
Variant type: single nucleotide variant.
Coding change: c.7037C>A on transcript NM_000051.4 (MANE Select); coding-DNA position 7037, C replaced by A.
Protein change: p.Ala2346Glu; replaces alanine 2346 with glutamic acid.
Molecular consequence: missense variant. On other transcripts: intron variant (2).
Genome position (GRCh38, 1-based): chr11:108,327,706, C>A. VCF-style: chr11-108327706-C-A. GRCh37 (hg19) VCF-style: chr11-108198433-C-A.
Other names: c.7037C>A, p.Ala2346Glu (NM_001351834.2); c.641-18635G>T (NM_001330368.2); c.*38+7514G>T (NM_001351110.2); short protein forms A2346E.
Identifiers: ClinVar variation 3720473 (VCV003720473.2).

ClinVar aggregate classification (germline): Uncertain significance (1 of 4 stars; one submission).

Conditions:
Ataxia-telangiectasia syndrome (AT). Also called: Ataxia-telangiectasia, complementation group D; AT, COMPLEMENTATION GROUP C; ATAXIA-TELANGIECTASIA, COMPLEMENTATION GROUP A; ATAXIA-TELANGIECTASIA, FRESNO VARIANT; Ataxia-telangiectasia; Ataxia-telangiectasia, complementation group E. Identifiers: Orphanet 100, MedGen C0004135, MONDO:0008840, OMIM 208900.

Submission:

Labcorp Genetics (formerly Invitae), Labcorp
Classification: Uncertain significance for Ataxia-telangiectasia syndrome. Last evaluated: 2024-12-04. Review status: criteria provided, single submitter. Criteria: Invitae Variant Classification Sherloc (09022015). Collection method: clinical testing. Allele origin: germline.
Comment: This sequence change replaces alanine, which is neutral and non-polar, with glutamic acid, which is acidic and polar, at codon 2346 of the ATM protein (p.Ala2346Glu). This variant is not present in population databases (gnomAD no frequency). This variant has not been reported in the literature in individuals affected with ATM-related conditions. Invitae Evidence Modeling of protein sequence and biophysical properties (such as structural, functional, and spatial information, amino acid conservation, physicochemical variation, residue mobility, and thermodynamic stability) indicates that this missense variant is expected to disrupt ATM protein function with a positive predictive value of 80%. In summary, the available evidence is currently insufficient to determine the role of this variant in disease. Therefore, it has been classified as a Variant of Uncertain Significance.